The following is an entry in ClinVar:

NC_000008.11:g.(?_89978210)_(89980903_?)del

Gene: NBN (nibrin; minus strand). Cytogenetic location: 8q21.3.
Variant type: Deletion.
Identifiers: ClinVar variation 584082 (VCV000584082.2).

ClinVar aggregate classification (germline): Likely pathogenic (1 of 4 stars; one submission).

Conditions:
Microcephaly, normal intelligence and immunodeficiency (NBS). Also called: Ataxia telangiectasia variant V1; SEEMANOVA SYNDROME II; Immunodeficiency, microcephaly with normal intelligence; Nijmegen breakage syndrome; Microcephaly with normal intelligence immunodeficiency and lymphoreticular malignancies; Nonsyndromal microcephaly autosomal recessive with normal intelligence. Identifiers: Orphanet 647, MedGen C0398791, MONDO:0009623, OMIM 251260.

Submission:

Labcorp Genetics (formerly Invitae), Labcorp
Classification: Likely pathogenic for Microcephaly, normal intelligence and immunodeficiency. Last evaluated: 2019-03-16. Review status: criteria provided, single submitter. Criteria: Invitae Variant Classification Sherloc (09022015). Collection method: clinical testing. Allele origin: germline.
Comment: This variant is an in-frame deletion of the genomic region encompassing exons 4-5 of the NBN gene. It preserves the integrity of the reading frame. This variant has not been reported in the literature in individuals with NBN-related disease. A deletion of exons 4-5 eliminates the BRCT domain. Experimental studies have shown that deletion of the BRCT domain, or disruption of essential amino acids in the BRCT domain, impairs the DNA damage response activity of the NBN protein (PMID: 12433983, 17384674). In addition, the FHA-BRCT domain, which is encoded by exons 2-5, is known to be required for normal NBN function (PMID: 15279770, 12419185, 19804756). The NBN gene is also known as NBS1 in the literature. In summary, the currently available evidence indicates that the variant is pathogenic, but additional data are needed to prove that conclusively. Therefore, this variant has been classified as Likely Pathogenic.

Literature cited by the submitters: PubMed 19804756; PubMed 15279770; PubMed 12433983; PubMed 17384674; PubMed 12419185.